The following is an entry in ClinVar:

NM_032436.4(CHAMP1):c.776C>T (p.Pro259Leu)

Gene: CHAMP1 (chromosome alignment maintaining phosphoprotein 1; plus strand). Cytogenetic location: 13q34.
Variant type: single nucleotide variant.
Coding change: c.776C>T on transcript NM_032436.4 (MANE Select); coding-DNA position 776, C replaced by T.
Protein change: p.Pro259Leu; replaces proline 259 with leucine.
Molecular consequence: missense variant.
Genome position (GRCh38, 1-based): chr13:114,324,618, C>T. VCF-style: chr13-114324618-C-T. GRCh37 (hg19) VCF-style: chr13-115090093-C-T.
Other names: c.776C>T, p.Pro259Leu (NM_001164144.3, NM_001164145.3); short protein forms P259L.
Identifiers: ClinVar variation 2504810 (VCV002504810.2), dbSNP rs2503199068, ClinGen allele CA388847095.

ClinVar aggregate classification (germline): Uncertain significance (1 of 4 stars; one submission).

Allele frequency attached by ClinVar (database versions not stated): gnomAD exomes below 0.00001.
gnomAD v4.1: 1 of 1,614,112 alleles (0.000062%); highest among the groups gnomAD compares: Non-Finnish European, 0.000085%; no homozygotes.

Submission:

GeneDx
Classification: Uncertain significance. Last evaluated: 2026-04-03. Review status: criteria provided, single submitter. Criteria: GeneDx Variant Classification Process June 2021. Collection method: clinical testing. Allele origin: germline.
Comment: Not observed at significant frequency in large population cohorts (gnomAD); In silico analysis supports that this missense variant has a deleterious effect on protein structure/function; Has not been previously published as pathogenic or benign to our knowledge